The following is an entry in ClinVar:

NM_007254.4(PNKP):c.1448+7T>C

Gene: PNKP (polynucleotide kinase 3'-phosphatase; minus strand). Cytogenetic location: 19q13.33.
Variant type: single nucleotide variant.
Coding change: c.1448+7T>C on transcript NM_007254.4 (MANE Select); 7 bases into the intron after coding-DNA position 1448, T replaced by C.
Molecular consequence: intron variant.
Genome position (GRCh38, 1-based): chr19:49,861,442, A>G on the plus strand (T>C on the coding strand, the complement: PNKP is on the minus strand). VCF-style: chr19-49861442-A-G. GRCh37 (hg19) VCF-style: chr19-50364699-A-G.
Identifiers: ClinVar variation 386864 (VCV000386864.8), dbSNP rs775646444, ClinGen allele CA9586369.

ClinVar aggregate classification (germline): Likely benign. Review status: criteria provided, multiple submitters, no conflicts (2 of 4 stars). 2 submissions from 2 submitters: Likely benign (2). Last evaluated 2025-09-14.

Conditions:
Developmental and epileptic encephalopathy, 12 (DEE12). Identifiers: MedGen C3150988, MONDO:0013389, OMIM 613722.

Allele frequency attached by ClinVar (database versions not stated): TOPMed below 0.00001; ExAC 0.00001; gnomAD exomes 0.00001.

Submissions (2):

Labcorp Genetics (formerly Invitae), Labcorp
Classification: Likely benign for Developmental and epileptic encephalopathy, 12. Last evaluated: 2025-09-14. Review status: criteria provided, single submitter. Criteria: Invitae Variant Classification Sherloc (09022015). Collection method: clinical testing. Allele origin: germline.

GeneDx
Classification: Likely benign. Last evaluated: 2017-07-10. Review status: criteria provided, single submitter. Criteria: GeneDx Variant Classification (06012015). Collection method: clinical testing. Allele origin: germline. Affected: yes.
Comment: This variant is considered likely benign or benign based on one or more of the following criteria: it is a conservative change, it occurs at a poorly conserved position in the protein, it is predicted to be benign by multiple in silico algorithms, and/or has population frequency not consistent with disease.